The following is an entry in ClinVar:

NM_001166108.2(PALLD):c.785A>G (p.His262Arg)

Gene: PALLD (palladin, cytoskeletal associated protein; plus strand). Cytogenetic location: 4q32.3.
Variant type: single nucleotide variant.
Coding change: c.785A>G on transcript NM_001166108.2 (MANE Select); coding-DNA position 785, A replaced by G.
Protein change: p.His262Arg; replaces histidine 262 with arginine.
Molecular consequence: missense variant.
Genome position (GRCh38, 1-based): chr4:168,512,289, A>G. VCF-style: chr4-168512289-A-G. GRCh37 (hg19) VCF-style: chr4-169433440-A-G.
Other names: c.785A>G, p.His262Arg (NM_016081.4); short protein forms H262R.
Identifiers: ClinVar variation 1760908 (VCV001760908.3), dbSNP rs2531436843, ClinGen allele CA358728355.

ClinVar aggregate classification (germline): Uncertain significance (1 of 4 stars; one submission).

Submission:

Ambry Genetics
Classification: Uncertain significance. Last evaluated: 2024-07-31. Review status: criteria provided, single submitter. Criteria: Ambry Variant Classification Scheme 2023. Collection method: clinical testing. Allele origin: germline.
Comment: The p.H262R variant (also known as c.785A>G), located in coding exon 1 of the PALLD gene, results from an A to G substitution at nucleotide position 785. The histidine at codon 262 is replaced by arginine, an amino acid with highly similar properties. This amino acid position is conserved. In addition, this alteration is predicted to be tolerated by in silico analysis. Since supporting evidence is limited at this time, the clinical significance of this alteration remains unclear.